The following is an entry in ClinVar:

NM_030631.4(SLC25A21):c.330+5G>A

Gene: SLC25A21 (solute carrier family 25 member 21; minus strand). Cytogenetic location: 14q13.3.
Variant type: single nucleotide variant.
Coding change: c.330+5G>A on transcript NM_030631.4 (MANE Select); 5 bases into the intron after coding-DNA position 330, G replaced by A.
Molecular consequence: intron variant.
Genome position (GRCh38, 1-based): chr14:36,729,502, C>T on the plus strand (G>A on the coding strand, the complement: SLC25A21 is on the minus strand). VCF-style: chr14-36729502-C-T. GRCh37 (hg19) VCF-style: chr14-37198707-C-T.
Other names: c.330+5G>A (NM_001171170.2).
Identifiers: ClinVar variation 1922820 (VCV001922820.5), dbSNP rs2502437590, ClinGen allele CA2580088081.

ClinVar aggregate classification (germline): Uncertain significance (1 of 4 stars; one submission).

gnomAD v4.1: 1 of 1,598,216 alleles (0.000063%); highest among the groups gnomAD compares: Non-Finnish European, 0.000085%; no homozygotes.

Submission:

Labcorp Genetics (formerly Invitae), Labcorp
Classification: Uncertain significance. Last evaluated: 2022-07-01. Review status: criteria provided, single submitter. Criteria: Invitae Variant Classification Sherloc (09022015). Collection method: clinical testing. Allele origin: germline.
Comment: In summary, the available evidence is currently insufficient to determine the role of this variant in disease. Therefore, it has been classified as a Variant of Uncertain Significance. Variants that disrupt the consensus splice site are a relatively common cause of aberrant splicing (PMID: 17576681, 9536098). Algorithms developed to predict the effect of sequence changes on RNA splicing suggest that this variant may disrupt the consensus splice site. This variant has not been reported in the literature in individuals affected with SLC25A21-related conditions. This variant is not present in population databases (gnomAD no frequency). This sequence change falls in intron 5 of the SLC25A21 gene. It does not directly change the encoded amino acid sequence of the SLC25A21 protein. It affects a nucleotide within the consensus splice site.

Literature cited by the submitters: PubMed 17576681; PubMed 9536098.